The following is an entry in ClinVar:

ClinVar aggregate classification (germline): Uncertain significance. Review status: criteria provided, single submitter (1 of 4 stars). 2 submissions from 2 submitters: Uncertain significance (1). 1 of the submissions does not count toward it. Last evaluated 2023-10-25.

Conditions:
PLXNA3-related disorder. Also called: PLXNA3-related condition.

Allele frequency attached by ClinVar (database versions not stated): gnomAD exomes below 0.00001; TOPMed below 0.00001; ExAC 0.00004.
gnomAD v4.1: 5 of 1,207,825 alleles (0.00041%); highest among the groups gnomAD compares: East Asian, 0.015%; no homozygotes.

Submissions (2):

Ambry Genetics
Classification: Uncertain significance. Last evaluated: 2023-10-25. Review status: criteria provided, single submitter. Criteria: Ambry Variant Classification Scheme 2023. Collection method: clinical testing. Allele origin: germline.

PreventionGenetics, part of Exact Sciences
Classification: Uncertain significance for PLXNA3-related condition. Last evaluated: 2024-08-09. Review status: no assertion criteria provided. Collection method: clinical testing. Allele origin: germline. Not counted in ClinVar's aggregate classification.
Comment: The PLXNA3 c.1990A>G variant is predicted to result in the amino acid substitution p.Thr664Ala. To our knowledge, this variant has not been reported in the literature. This variant is reported in 0.037% of alleles in individuals of East Asian descent in gnomAD, including 2 hemizygotes. At this time, the clinical significance of this variant is uncertain due to the absence of conclusive functional and genetic evidence.

NM_017514.5(PLXNA3):c.1990A>G (p.Thr664Ala)

Gene: PLXNA3 (plexin A3; plus strand). Cytogenetic location: Xq28.
Variant type: single nucleotide variant.
Coding change: c.1990A>G on transcript NM_017514.5 (MANE Select); coding-DNA position 1990, A replaced by G.
Protein change: p.Thr664Ala; replaces threonine 664 with alanine.
Molecular consequence: missense variant.
Genome position (GRCh38, 1-based): chrX:154,464,815, A>G. VCF-style: chrX-154464815-A-G. GRCh37 (hg19) VCF-style: chrX-153693158-A-G.
Other names: short protein forms T664A.
Identifiers: ClinVar variation 3215553 (VCV003215553.2), dbSNP rs781844192, ClinGen allele CA10564238.